The following is an entry in ClinVar:

NM_001378328.1(CELSR1):c.8193C>T (p.Ala2731=)

Gene: CELSR1 (cadherin EGF LAG seven-pass G-type receptor 1; minus strand). Cytogenetic location: 22q13.31.
Variant type: single nucleotide variant.
Coding change: c.8193C>T on transcript NM_001378328.1 (MANE Select); coding-DNA position 8193, C replaced by T.
Protein change: p.Ala2731=; no amino-acid change (alanine 2731 retained).
Molecular consequence: synonymous variant.
Genome position (GRCh38, 1-based): chr22:46,367,005, G>A on the plus strand (C>T on the coding strand, the complement: CELSR1 is on the minus strand). VCF-style: chr22-46367005-G-A. GRCh37 (hg19) VCF-style: chr22-46762902-G-A.
Other names: c.8193C>T, p.Ala2731= (NM_014246.4).
Identifiers: ClinVar variation 3037300 (VCV003037300.2), dbSNP rs78398495, ClinGen allele CA10292949.
Genomic context (GRCh38, chr22:46,367,005, plus strand): 5'-GAGATGCCGCCCAGCCCCCAGTCCCGCGGTGTCCCCGGCGCCTCCTACCGTCAGCAGGGT[G>A]GCCCTGGTGGTGGCGGAGTCCTCCAGGTGCAGCTTCCTCCCGCCGAGCACGCCCTTCAGG-3'
Protein context (NP_001365257.1, residues 2721-2741): LHLEDSATTR[Ala2731=]TLLTRSLNCN

ClinVar aggregate classification (germline): Benign (0 of 4 stars; one submission).

Conditions:
CELSR1-related disorder. Also called: CELSR1-related condition.

Allele frequency attached by ClinVar (database versions not stated): gnomAD exomes 0.00311; ExAC 0.01118; gnomAD 0.02946; 1000 Genomes Project 0.03095; TOPMed 0.03270; 1000 Genomes Project 30x 0.03357; ESP Exome Variant Server 0.03611.
gnomAD v4.1: 9,214 of 1,609,866 alleles (0.57%); highest among the groups gnomAD compares: African/African-American, 10%; 458 homozygotes.

Submission:

PreventionGenetics, part of Exact Sciences
Classification: Benign for CELSR1-related condition. Last evaluated: 2019-04-10. Review status: no assertion criteria provided. Collection method: clinical testing. Allele origin: germline.
Comment: This variant is classified as benign based on ACMG/AMP sequence variant interpretation guidelines (Richards et al. 2015 PMID: 25741868, with internal and published modifications).